The following is an entry in ClinVar:

ClinVar aggregate classification (germline): Uncertain significance. Review status: criteria provided, multiple submitters, no conflicts (2 of 4 stars). 2 submissions from 2 submitters: Uncertain significance (2). Last evaluated 2025-01-01.

Submissions (2):

Labcorp Genetics (formerly Invitae), Labcorp
Classification: Uncertain significance. Last evaluated: 2025-01-01. Review status: criteria provided, single submitter. Criteria: Invitae Variant Classification Sherloc (09022015). Collection method: clinical testing. Allele origin: germline.
Comment: This sequence change replaces glutamine, which is neutral and polar, with glutamic acid, which is acidic and polar, at codon 823 of the TLR7 protein (p.Gln823Glu). This variant is not present in population databases (gnomAD no frequency). This variant has not been reported in the literature in individuals affected with TLR7-related conditions. An algorithm developed to predict the effect of missense changes on protein structure and function (PolyPhen-2) suggests that this variant is likely to be tolerated. In summary, the available evidence is currently insufficient to determine the role of this variant in disease. Therefore, it has been classified as a Variant of Uncertain Significance.

Ambry Genetics
Classification: Uncertain significance. Last evaluated: 2024-09-11. Review status: criteria provided, single submitter. Criteria: Ambry Variant Classification Scheme 2023. Collection method: clinical testing. Allele origin: germline.

NM_016562.4(TLR7):c.2467C>G (p.Gln823Glu)

Gene: TLR7 (toll like receptor 7; plus strand). Cytogenetic location: Xp22.2.
Variant type: single nucleotide variant.
Coding change: c.2467C>G on transcript NM_016562.4 (MANE Select); coding-DNA position 2467, C replaced by G.
Protein change: p.Gln823Glu; replaces glutamine 823 with glutamic acid.
Molecular consequence: missense variant.
Genome position (GRCh38, 1-based): chrX:12,887,975, C>G. VCF-style: chrX-12887975-C-G. GRCh37 (hg19) VCF-style: chrX-12906094-C-G.
Other names: short protein forms Q823E.
Identifiers: ClinVar variation 3457091 (VCV003457091.3).